The following is an entry in ClinVar:

ClinVar aggregate classification (germline): Uncertain significance (1 of 4 stars; one submission).

Conditions:
Joubert syndrome. Also called: CEREBELLOPARENCHYMAL DISORDER IV; JOUBERT-BOLTSHAUSER SYNDROME; Familial aplasia of the vermis. Identifiers: Orphanet 475, MedGen C5979921, MONDO:0018772.
Nephronophthisis. Also called: Juvenile Nephronophthisis. Identifiers: Orphanet 655, MedGen C0687120, MONDO:0019005, HP:0000090.
Meckel-Gruber syndrome. Also called: DYSENCEPHALIA SPLANCHNOCYSTICA; GRUBER SYNDROME; Dysencephalia splachnocystica. Identifiers: Orphanet 564, MedGen C0265215, MONDO:0018921.

Submission:

Labcorp Genetics (formerly Invitae), Labcorp
Classification: Uncertain significance for Joubert syndrome; Meckel-Gruber syndrome; Nephronophthisis. Last evaluated: 2021-11-26. Review status: criteria provided, single submitter. Criteria: Invitae Variant Classification Sherloc (09022015). Collection method: clinical testing. Allele origin: germline.
Comment: In summary, the available evidence is currently insufficient to determine the role of this variant in disease. Therefore, it has been classified as a Variant of Uncertain Significance. Algorithms developed to predict the effect of missense changes on protein structure and function output the following: SIFT: "Tolerated"; PolyPhen-2: "Benign"; Align-GVGD: "Class C0". The serine amino acid residue is found in multiple mammalian species, which suggests that this missense change does not adversely affect protein function. This variant has not been reported in the literature in individuals affected with CEP290-related conditions. This variant is not present in population databases (gnomAD no frequency). This sequence change replaces asparagine, which is neutral and polar, with serine, which is neutral and polar, at codon 992 of the CEP290 protein (p.Asn992Ser).

NM_025114.4(CEP290):c.2975A>G (p.Asn992Ser)

Gene: CEP290 (centrosomal protein 290; minus strand). Cytogenetic location: 12q21.32.
Variant type: single nucleotide variant.
Coding change: c.2975A>G on transcript NM_025114.4 (MANE Select); coding-DNA position 2975, A replaced by G.
Protein change: p.Asn992Ser; replaces asparagine 992 with serine.
Molecular consequence: missense variant.
Genome position (GRCh38, 1-based): chr12:88,102,854, T>C on the plus strand (A>G on the coding strand, the complement: CEP290 is on the minus strand). VCF-style: chr12-88102854-T-C. GRCh37 (hg19) VCF-style: chr12-88496631-T-C.
Other names: short protein forms N992S.
Identifiers: ClinVar variation 1422674 (VCV001422674.6), dbSNP rs2137539633, ClinGen allele CA385969029.